The following is an entry in ClinVar:

NM_001376.5(DYNC1H1):c.344+2T>C

Gene: DYNC1H1 (dynein cytoplasmic 1 heavy chain 1; plus strand). Cytogenetic location: 14q32.31.
Variant type: single nucleotide variant.
Coding change: c.344+2T>C on transcript NM_001376.5 (MANE Select); the canonical splice donor site of the intron after coding-DNA position 344, T replaced by C.
Molecular consequence: splice donor variant.
Genome position (GRCh38, 1-based): chr14:101,975,801, T>C. VCF-style: chr14-101975801-T-C. GRCh37 (hg19) VCF-style: chr14-102442138-T-C.
Identifiers: ClinVar variation 2580049 (VCV002580049.1), dbSNP rs2503672341, ClinGen allele CA391006562.
Genomic context (GRCh38, chr14:101,975,801, plus strand): 5'-AAAGAATTCATTTCCTATAACATCAACATAGACATTCATTATGGGGTTAAATCCAATAGG[T>C]GAGTAGTACAAATATTACCATTATCTCAGGTTATAAATTTGTGAGAATTAATATGAATCT-3'

ClinVar aggregate classification (germline): Uncertain significance (1 of 4 stars; one submission).

Submission:

GeneDx
Classification: Uncertain significance. Last evaluated: 2023-03-14. Review status: criteria provided, single submitter. Criteria: GeneDx Variant Classification Process June 2021. Collection method: clinical testing. Allele origin: germline. Affected: yes.
Comment: Not observed at significant frequency in large population cohorts (gnomAD); Canonical splice site variant in a gene or region of a gene for which loss of function is not a well-established mechanism of disease; Has not been previously published as pathogenic or benign to our knowledge.